The following is an entry in ClinVar:

NM_004667.6(HERC2):c.10261G>T (p.Ala3421Ser)

Gene: HERC2 (HECT and RLD domain containing E3 ubiquitin protein ligase 2; minus strand). Cytogenetic location: 15q13.1.
Variant type: single nucleotide variant.
Coding change: c.10261G>T on transcript NM_004667.6 (MANE Select); coding-DNA position 10261, G replaced by T.
Protein change: p.Ala3421Ser; replaces alanine 3421 with serine.
Molecular consequence: missense variant.
Genome position (GRCh38, 1-based): chr15:28,168,559, C>A on the plus strand (G>T on the coding strand, the complement: HERC2 is on the minus strand). VCF-style: chr15-28168559-C-A. GRCh37 (hg19) VCF-style: chr15-28413705-C-A.
Other names: short protein forms A3421S.
Identifiers: ClinVar variation 5016904 (VCV005016904.1).
Genomic context (GRCh38, chr15:28,168,559, plus strand): 5'-CAGATGCGTCGGAAGGGGCCGCCGAGGAGAACGAGGGGCACTCCACCGGGGCGATCATGG[C>A]GGCCGGCATCAGGGCCCCGACAACAGCATCTCTGTCAGGACACAAAGCCAGGCCTGTGGT-3'
Protein context (NP_004658.3, residues 3411-3431): DAVVGALMPA[Ala3421Ser]MIAPVECPSF

ClinVar aggregate classification (germline): Uncertain significance (1 of 4 stars; one submission).

gnomAD v4.1: 59 of 1,614,000 alleles (0.0037%); highest among the groups gnomAD compares: South Asian, 0.06%; no homozygotes.

Submission:

GeneDx
Classification: Uncertain significance. Last evaluated: 2026-04-11. Review status: criteria provided, single submitter. Criteria: GeneDx Variant Classification Process June 2021. Collection method: clinical testing. Allele origin: germline.
Comment: In silico analysis suggests that this missense variant does not alter protein structure/function; Has not been previously published as pathogenic or benign to our knowledge